The following is an entry in ClinVar:

NM_015189.3(EXOC6B):c.1588A>G (p.Thr530Ala)

Gene: EXOC6B (exocyst complex component 6B; minus strand). Cytogenetic location: 2p13.2.
Variant type: single nucleotide variant.
Coding change: c.1588A>G on transcript NM_015189.3 (MANE Select); coding-DNA position 1588, A replaced by G.
Protein change: p.Thr530Ala; replaces threonine 530 with alanine.
Molecular consequence: missense variant. On other transcripts: non-coding transcript variant (2).
Genome position (GRCh38, 1-based): chr2:72,492,395, T>C on the plus strand (A>G on the coding strand, the complement: EXOC6B is on the minus strand). VCF-style: chr2-72492395-T-C. GRCh37 (hg19) VCF-style: chr2-72719524-T-C.
Other names: c.1588A>G, p.Thr530Ala (NM_001321729.2, NM_001321730.2, NM_001321731.2 and 1 more transcripts); c.1249A>G, p.Thr417Ala (NM_001321734.2); c.1588A>G (NM_015189.1); short protein forms T417A, T530A.
Identifiers: ClinVar variation 1502142 (VCV001502142.7), dbSNP rs767304107, ClinGen allele CA1708402.

ClinVar aggregate classification (germline): Uncertain significance. Review status: criteria provided, multiple submitters, no conflicts (2 of 4 stars). 2 submissions from 2 submitters: Uncertain significance (2). Last evaluated 2023-07-12.

Allele frequency attached by ClinVar (database versions not stated): ExAC 0.00001; gnomAD exomes 0.00002.
gnomAD v4.1: 31 of 1,612,808 alleles (0.0019%); highest among the groups gnomAD compares: Middle Eastern, 0.016%; no homozygotes.

Submissions (2):

Ambry Genetics
Classification: Uncertain significance. Last evaluated: 2023-07-12. Review status: criteria provided, single submitter. Criteria: Ambry Variant Classification Scheme 2023. Collection method: clinical testing. Allele origin: germline.

Labcorp Genetics (formerly Invitae), Labcorp
Classification: Uncertain significance. Last evaluated: 2021-07-28. Review status: criteria provided, single submitter. Criteria: Invitae Variant Classification Sherloc (09022015). Collection method: clinical testing. Allele origin: germline.
Comment: This variant has not been reported in the literature in individuals affected with EXOC6B-related conditions. This sequence change replaces threonine with alanine at codon 530 of the EXOC6B protein (p.Thr530Ala). The threonine residue is moderately conserved and there is a small physicochemical difference between threonine and alanine. This variant is present in population databases (rs767304107, ExAC 0.01%). Experimental studies and prediction algorithms are not available or were not evaluated, and the functional significance of this variant is currently unknown. In summary, the available evidence is currently insufficient to determine the role of this variant in disease. Therefore, it has been classified as a Variant of Uncertain Significance.